The following is an entry in ClinVar:

ClinVar aggregate classification (germline): Likely benign (1 of 4 stars; one submission).

Allele frequency attached by ClinVar (database versions not stated): TOPMed below 0.00001; gnomAD exomes 0.00001.
gnomAD v4.1: 12 of 1,614,132 alleles (0.00074%); highest among the groups gnomAD compares: Non-Finnish European, 0.001%; no homozygotes.

Submission:

GeneDx
Classification: Likely benign. Last evaluated: 2018-03-21. Review status: criteria provided, single submitter. Criteria: GeneDx Variant Classification (06012015). Collection method: clinical testing. Allele origin: germline. Affected: yes.
Comment: This variant is considered likely benign or benign based on one or more of the following criteria: it is a conservative change, it occurs at a poorly conserved position in the protein, it is predicted to be benign by multiple in silico algorithms, and/or has population frequency not consistent with disease.

NM_001347995.2(ENTREP1):c.1083+8C>T

Gene: ENTREP1 (endosomal transmembrane epsin interactor 1; plus strand). Cytogenetic location: 9q21.12.
Variant type: single nucleotide variant.
Coding change: c.1083+8C>T on transcript NM_001347995.2 (MANE Select); 8 bases into the intron after coding-DNA position 1083, C replaced by T.
Molecular consequence: intron variant.
Genome position (GRCh38, 1-based): chr9:69,383,767, C>T. VCF-style: chr9-69383767-C-T. GRCh37 (hg19) VCF-style: chr9-71998683-C-T.
Other names: c.624+8C>T (NM_001127608.3, NM_004816.5).
Identifiers: ClinVar variation 680428 (VCV000680428.2), dbSNP rs1275094800, ClinGen allele CA645564661.